The following is an entry in ClinVar:

ClinVar aggregate classification (germline): Likely pathogenic (1 of 4 stars; one submission).

Conditions:
GNPTG-mucolipidosis. Also called: ML III GAMMA; ML IIIC; MUCOLIPIDOSIS III, COMPLEMENTATION GROUP C; MUCOLIPIDOSIS III, IRANIAN VARIANT FORM; MUCOLIPIDOSIS III, VARIANT FORM; Mucolipidosis type III gamma. Identifiers: Orphanet 423470, Orphanet 577, MedGen C1854896, MONDO:0009652, OMIM 252605.

Submission:

First Genomix Gene Laboratory, Genetic Diagnostics Department
Classification: Likely pathogenic for GNPTG-mucolipidosis. Last evaluated: 2025-12-28. Review status: criteria provided, single submitter. Criteria: ACMG Guidelines, 2015. Collection method: clinical testing. Allele origin: germline. Inheritance: Autosomal recessive inheritance. Affected: no. Observed: 1 variant allele.

NM_032520.5(GNPTG):c.215dup (p.Ser73fs)

Gene: GNPTG (N-acetylglucosamine-1-phosphate transferase subunit gamma; plus strand). Cytogenetic location: 16p13.3.
Variant type: Duplication.
Coding change: c.215dup on transcript NM_032520.5 (MANE Select); coding-DNA position 215, one base duplicated (T; older notation c.215dupT).
Protein change: p.Ser73fs; shifts the reading frame from serine 73.
Molecular consequence: frameshift variant.
Genome position (GRCh38, 1-based): chr16:1,361,779, T duplicated; the last of 2 consecutive T bases (chr16:1,361,778-1,361,779); duplicating either gives the same sequence. VCF-style (leftmost placement, unchanged base first): chr16-1361777-C-CT. GRCh37 (hg19) VCF-style: chr16-1411778-C-CT.
Other names: short protein forms S73fs.
Identifiers: ClinVar variation 4850613 (VCV004850613.1).
Genomic context (GRCh38, chr16:1,361,777, plus strand): 5'-GGGGATCAGTGTGAGGTCTCTTCCAGGACCCGTGCATCTCTTCCGACTCTCGGGCAAGTG[C>CT]TTCAGCCTGGTGGAGTCCACGTGAGTGCAGGGTGGGTGCGAGGGTGGGCTGGGGCGCAGC-3'